The following is an entry in ClinVar:

NM_006979.3(SLC39A7):c.180_197del (p.Ala61_His66del)

Gene: SLC39A7 (solute carrier family 39 member 7; plus strand). Cytogenetic location: 6p21.32.
Variant type: Deletion.
Coding change: c.180_197del on transcript NM_006979.3 (MANE Select); coding-DNA positions 180 to 197, 18 bases deleted (TGCCCATGGCCATGGCCA).
Protein change: p.Ala61_His66del.
Molecular consequence: inframe deletion. On other transcripts: intron variant (1).
Genome position (GRCh38, 1-based): chr6:33,201,425-33,201,442, TGCCCATGGCCATGGCCA deleted; deleting any 18 consecutive bases within chr6:33,201,421-33,201,442 gives the same sequence; the c. name uses the placement nearest the transcript's 3' end. VCF-style (leftmost placement, unchanged base first): chr6-33201420-AGCCATGCCCATGGCCATG-A. GRCh37 (hg19) VCF-style: chr6-33169197-AGCCATGCCCATGGCCATG-A.
Other names: c.180_197del, p.Ala61_His66del (NM_001077516.2); c.52+37_52+54del (NM_001288777.2).
Identifiers: ClinVar variation 1446029 (VCV001446029.5), dbSNP rs760252457, ClinGen allele CA3752211.

ClinVar aggregate classification (germline): Uncertain significance (1 of 4 stars; one submission).

Submission:

Labcorp Genetics (formerly Invitae), Labcorp
Classification: Uncertain significance. Last evaluated: 2022-09-13. Review status: criteria provided, single submitter. Criteria: Invitae Variant Classification Sherloc (09022015). Collection method: clinical testing. Allele origin: germline.
Comment: This variant, c.180_197del, results in the deletion of 6 amino acid(s) of the SLC39A7 protein (p.Ala61_His66del), but otherwise preserves the integrity of the reading frame. This variant is present in population databases (rs760252457, gnomAD 0.007%). This variant has not been reported in the literature in individuals affected with SLC39A7-related conditions. ClinVar contains an entry for this variant (Variation ID: 1446029). Experimental studies and prediction algorithms are not available or were not evaluated, and the functional significance of this variant is currently unknown. Algorithms developed to predict the effect of sequence changes on RNA splicing suggest that this variant may disrupt the consensus splice site. In summary, the available evidence is currently insufficient to determine the role of this variant in disease. Therefore, it has been classified as a Variant of Uncertain Significance.